The following is an entry in ClinVar:

ClinVar aggregate classification (germline): Conflicting classifications of pathogenicity. Review status: criteria provided, conflicting classifications (1 of 4 stars). 3 submissions from 3 submitters: Uncertain significance (2); Likely benign (1). Last evaluated 2025-01-30.

Conditions:
Cardiovascular phenotype. Identifiers: MedGen CN230736.
Familial hyperaldosteronism type III. Also called: Familial hyperaldosteronism type 3; FH III. Identifiers: Orphanet 251274, MedGen C3838758, MONDO:0013359, OMIM 613677.
Long QT syndrome 13 (LQT13). Identifiers: Orphanet 101016, Orphanet 768, MedGen C3150733, MONDO:0013279, OMIM 613485.

gnomAD v4.1: 11 of 1,614,076 alleles (0.00068%); highest among the groups gnomAD compares: African/African-American, 0.0013%; no homozygotes.

Submissions (3):

GeneDx
Classification: Uncertain significance. Last evaluated: 2025-01-30. Review status: criteria provided, single submitter. Criteria: GeneDx Variant Classification Process June 2021. Collection method: clinical testing. Allele origin: germline. Affected: yes.
Comment: Not observed at significant frequency in large population cohorts (gnomAD); In silico analysis indicates that this missense variant does not alter protein structure/function; Has not been previously published as pathogenic or benign to our knowledge

Ambry Genetics
Classification: Likely benign for Cardiovascular phenotype. Last evaluated: 2024-12-23. Review status: criteria provided, single submitter. Criteria: Ambry Variant Classification Scheme 2023. Collection method: clinical testing. Allele origin: germline.

Fulgent Genetics
Classification: Uncertain significance for Long QT syndrome 13; Familial hyperaldosteronism type III. Last evaluated: 2024-03-28. Review status: criteria provided, single submitter. Criteria: ACMG Guidelines, 2015. Collection method: clinical testing. Allele origin: germline.

NM_000890.5(KCNJ5):c.91G>A (p.Asp31Asn)

Gene: KCNJ5 (potassium inwardly rectifying channel subfamily J member 5; plus strand). Cytogenetic location: 11q24.3.
Variant type: single nucleotide variant.
Coding change: c.91G>A on transcript NM_000890.5 (MANE Select); coding-DNA position 91, G replaced by A.
Protein change: p.Asp31Asn; replaces aspartic acid 31 with asparagine.
Molecular consequence: missense variant.
Genome position (GRCh38, 1-based): chr11:128,911,364, G>A. VCF-style: chr11-128911364-G-A. GRCh37 (hg19) VCF-style: chr11-128781259-G-A.
Other names: c.91G>A, p.Asp31Asn (NM_001354169.2); short protein forms D31N.
Identifiers: ClinVar variation 3599191 (VCV003599191.3).